The following is an entry in ClinVar:

ClinVar aggregate classification (germline): Pathogenic/Likely pathogenic. Review status: criteria provided, multiple submitters, no conflicts (2 of 4 stars). 4 submissions from 4 submitters: Pathogenic (2); Likely pathogenic (2). Last evaluated 2024-05-04.

Conditions:
Ataxia-telangiectasia-like disorder (ATLD). Identifiers: MedGen C1858391, MONDO:0011457.
Ataxia-telangiectasia-like disorder 1 (ATLD1). Identifiers: Orphanet 251347, MedGen C4012790, MONDO:0024557, OMIM 604391.
Hereditary cancer-predisposing syndrome. Also called: Hereditary neoplastic syndrome; Neoplastic Syndromes, Hereditary; Tumor predisposition; Hereditary Cancer Syndrome. Identifiers: Orphanet 140162, MedGen C0027672, MeSH D009386, MONDO:0015356.

Allele frequency attached by ClinVar (database versions not stated): TOPMed below 0.00001; gnomAD 0.00001; gnomAD exomes 0.00001.
gnomAD v4.1: 11 of 1,614,028 alleles (0.00068%); highest among the groups gnomAD compares: South Asian, 0.012%; no homozygotes.

Submissions (4):

Fulgent Genetics
Classification: Likely pathogenic for Ataxia-telangiectasia-like disorder 1. Last evaluated: 2024-05-04. Review status: criteria provided, single submitter. Criteria: ACMG Guidelines, 2015. Collection method: clinical testing. Allele origin: germline.

Labcorp Genetics (formerly Invitae), Labcorp
Classification: Pathogenic for Ataxia-telangiectasia-like disorder. Last evaluated: 2024-01-26. Review status: criteria provided, single submitter. Criteria: Invitae Variant Classification Sherloc (09022015). Collection method: clinical testing. Allele origin: germline.
Comment: This sequence change creates a premature translational stop signal (p.Glu535*) in the MRE11 gene. It is expected to result in an absent or disrupted protein product. Loss-of-function variants in MRE11 are known to be pathogenic (PMID: 23080121, 23912341). This variant is present in population databases (no rsID available, gnomAD 0.006%). This variant has not been reported in the literature in individuals affected with MRE11-related conditions. ClinVar contains an entry for this variant (Variation ID: 946577). For these reasons, this variant has been classified as Pathogenic.

Ambry Genetics
Classification: Pathogenic for Hereditary cancer-predisposing syndrome. Last evaluated: 2022-06-09. Review status: criteria provided, single submitter. Criteria: Ambry Variant Classification Scheme 2023. Collection method: clinical testing. Allele origin: germline.
Comment: The p.E535* variant (also known as c.1603G>T), located in coding exon 14 of the MRE11A gene, results from a G to T substitution at nucleotide position 1603. This changes the amino acid from a glutamic acid to a stop codon within coding exon 14. This alteration is expected to result in loss of function by premature protein truncation or nonsense-mediated mRNA decay. As such, this alteration is interpreted as a disease-causing mutation.

Genetics and Genomic Medicine Centre, NeuroGen Healthcare, NeuroGen Healthcare
Classification: Likely pathogenic for Ataxia-telangiectasia-like disorder 1. Last evaluated: 2020-08-18. Review status: criteria provided, single submitter. Criteria: Submitter's publication. Collection method: clinical testing. Allele origin: unknown. Affected: no.

Literature cited by the submitters: PubMed 23080121 (cited by Labcorp Genetics (formerly Invitae), Labcorp); PubMed 23912341 (cited by Labcorp Genetics (formerly Invitae), Labcorp).

NM_005591.4(MRE11):c.1603G>T (p.Glu535Ter)

Gene: MRE11 (MRE11 double strand break repair nuclease; minus strand). Cytogenetic location: 11q21.
Variant type: single nucleotide variant.
Coding change: c.1603G>T on transcript NM_005591.4 (MANE Select); coding-DNA position 1603, G replaced by T.
Protein change: p.Glu535Ter; replaces glutamic acid 535 with a stop codon.
Molecular consequence: nonsense.
Genome position (GRCh38, 1-based): chr11:94,447,399, C>A on the plus strand (G>T on the coding strand, the complement: MRE11 is on the minus strand). VCF-style: chr11-94447399-C-A. GRCh37 (hg19) VCF-style: chr11-94180565-C-A.
Other names: c.1603G>T, p.Glu535Ter (NM_001330347.2, NM_005590.4); short protein forms E535*.
Identifiers: ClinVar variation 946577 (VCV000946577.13), dbSNP rs1440482403, ClinGen allele CA382368675.